The following is an entry in ClinVar:

NM_002460.4(IRF4):c.548C>T (p.Pro183Leu)

Gene: IRF4 (interferon regulatory factor 4; plus strand). Cytogenetic location: 6p25.3.
Variant type: single nucleotide variant.
Coding change: c.548C>T on transcript NM_002460.4 (MANE Select); coding-DNA position 548, C replaced by T.
Protein change: p.Pro183Leu; replaces proline 183 with leucine.
Molecular consequence: missense variant. On other transcripts: non-coding transcript variant (1).
Genome position (GRCh38, 1-based): chr6:397,163, C>T. VCF-style: chr6-397163-C-T. GRCh37 (hg19) VCF-style: chr6-397163-C-T.
Other names: c.545C>T, p.Pro182Leu (NM_001195286.2); short protein forms P182L, P183L.
Identifiers: ClinVar variation 1467405 (VCV001467405.8), dbSNP rs1761286820, ClinGen allele CA362547492.
Genomic context (GRCh38, chr6:397,163, plus strand): 5'-TTTAGCAGGTTCACAACTACATGATGCCACCCCTCGACCGAAGCTGGAGGGACTACGTCC[C>T]GGATCAGCCACACCCGGAAATCCCGTACCAATGTCCCATGACGTTTGGACCCCGCGGCCA-3'
Protein context (NP_002451.2, residues 173-193): PLDRSWRDYV[Pro183Leu]DQPHPEIPYQ

ClinVar aggregate classification (germline): Uncertain significance (1 of 4 stars; one submission).

Allele frequency attached by ClinVar (database versions not stated): TOPMed below 0.00001.
gnomAD v4.1: 3 of 1,614,270 alleles (0.00019%); highest among the groups gnomAD compares: East Asian, 0.0022%; no homozygotes.

Submission:

Labcorp Genetics (formerly Invitae), Labcorp
Classification: Uncertain significance. Last evaluated: 2022-02-10. Review status: criteria provided, single submitter. Criteria: Invitae Variant Classification Sherloc (09022015). Collection method: clinical testing. Allele origin: germline.
Comment: This variant is not present in population databases (gnomAD no frequency). In summary, the available evidence is currently insufficient to determine the role of this variant in disease. Therefore, it has been classified as a Variant of Uncertain Significance. Algorithms developed to predict the effect of missense changes on protein structure and function are either unavailable or do not agree on the potential impact of this missense change (SIFT: "Deleterious"; PolyPhen-2: "Benign"; Align-GVGD: "Class C0"). This variant has not been reported in the literature in individuals affected with IRF4-related conditions. This sequence change replaces proline, which is neutral and non-polar, with leucine, which is neutral and non-polar, at codon 183 of the IRF4 protein (p.Pro183Leu).